The following is an entry in ClinVar:

NM_002755.4(MAP2K1):c.693+4T>C

Gene: MAP2K1 (mitogen-activated protein kinase kinase 1; plus strand). Cytogenetic location: 15q22.31.
Variant type: single nucleotide variant.
Coding change: c.693+4T>C on transcript NM_002755.4 (MANE Select); 4 bases into the intron after coding-DNA position 693, T replaced by C.
Molecular consequence: intron variant.
Genome position (GRCh38, 1-based): chr15:66,481,883, T>C. VCF-style: chr15-66481883-T-C. GRCh37 (hg19) VCF-style: chr15-66774221-T-C.
Identifiers: ClinVar variation 2139867 (VCV002139867.4), dbSNP rs184151283, ClinGen allele CA2580089870.

ClinVar aggregate classification (germline): Uncertain significance (1 of 4 stars; one submission).

Conditions:
RASopathy. Also called: rasopathies; Noonan spectrum disorder. Identifiers: Orphanet 536391, MedGen C5555857, MONDO:0021060.

Submission:

Labcorp Genetics (formerly Invitae), Labcorp
Classification: Uncertain significance for RASopathy. Last evaluated: 2024-10-22. Review status: criteria provided, single submitter. Criteria: Invitae Variant Classification Sherloc (09022015). Collection method: clinical testing. Allele origin: germline.
Comment: This sequence change falls in intron 6 of the MAP2K1 gene. It does not directly change the encoded amino acid sequence of the MAP2K1 protein. It affects a nucleotide within the consensus splice site. This variant is not present in population databases (gnomAD no frequency). This variant has not been reported in the literature in individuals affected with MAP2K1-related conditions. ClinVar contains an entry for this variant (Variation ID: 2139867). Variants that disrupt the consensus splice site are a relatively common cause of aberrant splicing (PMID: 17576681, 9536098). Algorithms developed to predict the effect of sequence changes on RNA splicing suggest that this variant is not likely to affect RNA splicing. In summary, the available evidence is currently insufficient to determine the role of this variant in disease. Therefore, it has been classified as a Variant of Uncertain Significance.

Literature cited by the submitters: PubMed 17576681; PubMed 9536098.